The following is an entry in ClinVar:

NM_144672.4(OTOA):c.1902C>T (p.Val634=)

Gene: OTOA (otoancorin). Cytogenetic location: 16p12.2.
Variant type: single nucleotide variant.
Coding change: c.1902C>T on transcript NM_144672.4 (MANE Select); coding-DNA position 1902, C replaced by T.
Protein change: p.Val634=; no amino-acid change (valine 634 retained).
Molecular consequence: synonymous variant.
Genome position (GRCh38, 1-based): chr16:21,726,544, C>T. VCF-style: chr16-21726544-C-T. GRCh37 (hg19) VCF-style: chr16-21737865-C-T.
Other names: c.1665C>T, p.Val555= (NM_001161683.2); c.930C>T, p.Val310= (NM_170664.3).
Identifiers: ClinVar variation 1956404 (VCV001956404.27), dbSNP rs1013773064, ClinGen allele CA279389981.

ClinVar aggregate classification (germline): Likely benign. Review status: criteria provided, multiple submitters, no conflicts (2 of 4 stars). 2 submissions from 2 submitters: Likely benign (2). Last evaluated 2024-12-18.

Allele frequency attached by ClinVar (database versions not stated): gnomAD 0.00001; gnomAD exomes 0.00001; TOPMed 0.00001.
gnomAD v4.1: 12 of 1,613,844 alleles (0.00074%); highest among the groups gnomAD compares: Middle Eastern, 0.017%; no homozygotes.

Submissions (2):

Labcorp Genetics (formerly Invitae), Labcorp
Classification: Likely benign. Last evaluated: 2024-12-18. Review status: criteria provided, single submitter. Criteria: Invitae Variant Classification Sherloc (09022015). Collection method: clinical testing. Allele origin: germline.

CeGaT Center for Human Genetics Tuebingen
Classification: Likely benign. Last evaluated: 2023-12-01. Review status: criteria provided, single submitter. Criteria: CeGaT Center For Human Genetics Tuebingen Variant Classification Criteria Version 2. Collection method: clinical testing. Allele origin: germline. Affected: yes. Observed: 1 variant allele.
Comment: OTOA: BP4, BP7